The following is an entry in ClinVar:

NM_032119.4(ADGRV1):c.17888C>G (p.Pro5963Arg)

Gene: ADGRV1 (adhesion G protein-coupled receptor V1; plus strand). Cytogenetic location: 5q14.3.
Variant type: single nucleotide variant.
Coding change: c.17888C>G on transcript NM_032119.4 (MANE Select); coding-DNA position 17888, C replaced by G.
Protein change: p.Pro5963Arg; replaces proline 5963 with arginine.
Molecular consequence: missense variant. On other transcripts: non-coding transcript variant (1).
Genome position (GRCh38, 1-based): chr5:90,965,446, C>G. VCF-style: chr5-90965446-C-G. GRCh37 (hg19) VCF-style: chr5-90261263-C-G.
Other names: short protein forms P5963R.
Identifiers: ClinVar variation 1372505 (VCV001372505.6), dbSNP rs1778366256, ClinGen allele CA360426666.

ClinVar aggregate classification (germline): Uncertain significance (1 of 4 stars; one submission).

Submission:

Labcorp Genetics (formerly Invitae), Labcorp
Classification: Uncertain significance. Last evaluated: 2024-08-12. Review status: criteria provided, single submitter. Criteria: Invitae Variant Classification Sherloc (09022015). Collection method: clinical testing. Allele origin: germline.
Comment: This sequence change replaces proline, which is neutral and non-polar, with arginine, which is basic and polar, at codon 5963 of the ADGRV1 protein (p.Pro5963Arg). This variant is not present in population databases (gnomAD no frequency). This variant has not been reported in the literature in individuals affected with ADGRV1-related conditions. ClinVar contains an entry for this variant (Variation ID: 1372505). Advanced modeling of protein sequence and biophysical properties (such as structural, functional, and spatial information, amino acid conservation, physicochemical variation, residue mobility, and thermodynamic stability) performed at Invitae indicates that this missense variant is not expected to disrupt ADGRV1 protein function with a negative predictive value of 95%. In summary, the available evidence is currently insufficient to determine the role of this variant in disease. Therefore, it has been classified as a Variant of Uncertain Significance.